The following is an entry in ClinVar:

NM_004304.5(ALK):c.2386G>A (p.Gly796Arg)

Gene: ALK (ALK receptor tyrosine kinase; minus strand). Cytogenetic location: 2p23.2.
Variant type: single nucleotide variant.
Coding change: c.2386G>A on transcript NM_004304.5 (MANE Select); coding-DNA position 2386, G replaced by A.
Protein change: p.Gly796Arg; replaces glycine 796 with arginine.
Molecular consequence: missense variant.
Genome position (GRCh38, 1-based): chr2:29,233,666, C>T on the plus strand (G>A on the coding strand, the complement: ALK is on the minus strand). VCF-style: chr2-29233666-C-T. GRCh37 (hg19) VCF-style: chr2-29456532-C-T.
Other names: c.2386G>A (NM_004304.4); short protein forms G796R.
Identifiers: ClinVar variation 1432224 (VCV001432224.9), dbSNP rs942512399, ClinGen allele CA44639255.

ClinVar aggregate classification (germline): Uncertain significance. Review status: criteria provided, multiple submitters, no conflicts (2 of 4 stars). 2 submissions from 2 submitters: Uncertain significance (2). Last evaluated 2025-09-12.

Conditions:
Neuroblastoma, susceptibility to, 3. Also called: ALK-Related Neuroblastic Tumor Susceptibility. Identifiers: Orphanet 635, MedGen C2751681, MONDO:0013083, OMIM 613014.
Hereditary cancer-predisposing syndrome. Also called: Neoplastic Syndromes, Hereditary; Hereditary Cancer Syndrome; Tumor predisposition; Hereditary neoplastic syndrome. Identifiers: Orphanet 140162, MedGen C0027672, MeSH D009386, MONDO:0015356.

Allele frequency attached by ClinVar (database versions not stated): gnomAD exomes below 0.00001; gnomAD 0.00001; TOPMed 0.00002.

Submissions (2):

Ambry Genetics
Classification: Uncertain significance for Hereditary cancer-predisposing syndrome. Last evaluated: 2025-09-12. Review status: criteria provided, single submitter. Criteria: Ambry Variant Classification Scheme 2023. Collection method: clinical testing. Allele origin: germline.
Comment: The p.G796R variant (also known as c.2386G>A), located in coding exon 14 of the ALK gene, results from a G to A substitution at nucleotide position 2386. The glycine at codon 796 is replaced by arginine, an amino acid with dissimilar properties. This amino acid position is well conserved in available vertebrate species. In addition, this alteration is predicted to be deleterious by in silico analysis. Based on the available evidence, the clinical significance of this variant remains unclear.

Labcorp Genetics (formerly Invitae), Labcorp
Classification: Uncertain significance for Neuroblastoma, susceptibility to, 3. Last evaluated: 2024-02-22. Review status: criteria provided, single submitter. Criteria: Invitae Variant Classification Sherloc (09022015). Collection method: clinical testing. Allele origin: germline.
Comment: This sequence change replaces glycine, which is neutral and non-polar, with arginine, which is basic and polar, at codon 796 of the ALK protein (p.Gly796Arg). This variant is present in population databases (no rsID available, gnomAD 0.0009%). This variant has not been reported in the literature in individuals affected with ALK-related conditions. ClinVar contains an entry for this variant (Variation ID: 1432224). An algorithm developed to predict the effect of missense changes on protein structure and function (PolyPhen-2) suggests that this variant is likely to be disruptive. In summary, the available evidence is currently insufficient to determine the role of this variant in disease. Therefore, it has been classified as a Variant of Uncertain Significance.